The following is an entry in ClinVar:

ClinVar aggregate classification (germline): Uncertain significance (1 of 4 stars; one submission).

Conditions:
Joubert syndrome. Also called: JOUBERT-BOLTSHAUSER SYNDROME; Familial aplasia of the vermis. Identifiers: Orphanet 475, MedGen C5979921, MONDO:0018772.
Meckel-Gruber syndrome. Also called: DYSENCEPHALIA SPLANCHNOCYSTICA; GRUBER SYNDROME; Dysencephalia splachnocystica. Identifiers: Orphanet 564, MedGen C0265215, MONDO:0018921.

gnomAD v4.1: 2 of 1,610,166 alleles (0.00012%); highest among the groups gnomAD compares: Non-Finnish European, 0.00017%; no homozygotes.

Submission:

Labcorp Genetics (formerly Invitae), Labcorp
Classification: Uncertain significance for Joubert syndrome; Meckel-Gruber syndrome. Last evaluated: 2025-01-01. Review status: criteria provided, single submitter. Criteria: Invitae Variant Classification Sherloc (09022015). Collection method: clinical testing. Allele origin: germline.
Comment: This sequence change replaces leucine, which is neutral and non-polar, with serine, which is neutral and polar, at codon 1595 of the CC2D2A protein (p.Leu1595Ser). This variant is present in population databases (rs756272293, gnomAD 0.0009%). This variant has not been reported in the literature in individuals affected with CC2D2A-related conditions. Invitae Evidence Modeling of protein sequence and biophysical properties (such as structural, functional, and spatial information, amino acid conservation, physicochemical variation, residue mobility, and thermodynamic stability) indicates that this missense variant is expected to disrupt CC2D2A protein function with a positive predictive value of 95%. In summary, the available evidence is currently insufficient to determine the role of this variant in disease. Therefore, it has been classified as a Variant of Uncertain Significance.

NM_001378615.1(CC2D2A):c.4784T>C (p.Leu1595Ser)

Genes: CC2D2A (coiled-coil and C2 domain containing 2A; plus strand), FBXL5 (F-box and leucine rich repeat protein 5; minus strand). Cytogenetic location: 4p15.32.
Variant type: single nucleotide variant.
Coding change: c.4784T>C on transcript NM_001378615.1 (MANE Select); coding-DNA position 4784, T replaced by C.
Protein change: p.Leu1595Ser; replaces leucine 1595 with serine.
Molecular consequence: missense variant.
Genome position (GRCh38, 1-based): chr4:15,601,346, T>C. VCF-style: chr4-15601346-T-C. GRCh37 (hg19) VCF-style: chr4-15602969-T-C.
Other names: c.4784T>C, p.Leu1595Ser (NM_001080522.2); c.4637T>C, p.Leu1546Ser (NM_001378617.1); short protein forms L1546S, L1595S.
Identifiers: ClinVar variation 3750584 (VCV003750584.2).
Genomic context (GRCh38, chr4:15,601,346, plus strand): 5'-TTGACGCTGTGTATAGTACTGGAGTACATAATATTGATGTTCCTAATGTTGAATTTGCTT[T>C]AGCTGTATACATACACCCATACCCCAAAAATGTTTTGTCTGTTTGGATCTATGTTGCCTC-3'
Protein context (NP_001365544.1, residues 1585-1605): NIDVPNVEFA[Leu1595Ser]AVYIHPYPKN